The following is an entry in ClinVar:

ClinVar aggregate classification (germline): Uncertain significance. Review status: criteria provided, single submitter (1 of 4 stars). 3 submissions from 3 submitters: Uncertain significance (1). 2 of the submissions do not count toward it. Last evaluated 2022-09-27.

Conditions:
Epilepsy, X-linked 1, with variable learning disabilities and behavior disorders. Also called: X-linked epilepsy-learning disabilities-behavior disorders syndrome. Identifiers: Orphanet 85294, MedGen C5774177, MONDO:0010339, OMIM 300491.

Allele frequency attached by ClinVar (database versions not stated): gnomAD exomes below 0.00001.
gnomAD v4.1: 1 of 1,210,746 alleles (0.000083%); highest among the groups gnomAD compares: Non-Finnish European, 0.00011%; no homozygotes.

Submissions (3):

Labcorp Genetics (formerly Invitae), Labcorp
Classification: Uncertain significance for Epilepsy, X-linked 1, with variable learning disabilities and behavior disorders. Last evaluated: 2022-09-27. Review status: criteria provided, single submitter. Criteria: Invitae Variant Classification Sherloc (09022015). Collection method: clinical testing. Allele origin: germline.
Comment: This variant is not present in population databases (gnomAD no frequency). This variant has not been reported in the literature in individuals affected with SYN1-related conditions. ClinVar contains an entry for this variant (Variation ID: 1285001). Algorithms developed to predict the effect of missense changes on protein structure and function are either unavailable or do not agree on the potential impact of this missense change (SIFT: "Tolerated"; PolyPhen-2: "Possibly Damaging"; Align-GVGD: "Class C0"). In summary, the available evidence is currently insufficient to determine the role of this variant in disease. Therefore, it has been classified as a Variant of Uncertain Significance. This sequence change replaces asparagine, which is neutral and polar, with histidine, which is basic and polar, at codon 158 of the SYN1 protein (p.Asn158His).

Clinical Genetics DNA and cytogenetics Diagnostics Lab, Erasmus MC, Erasmus Medical Center
Classification: Likely benign. Review status: no assertion criteria provided. Collection method: clinical testing. Allele origin: germline. Affected: yes. Study: VKGL Data-share Consensus. Not counted in ClinVar's aggregate classification.

Genome Diagnostics Laboratory, University Medical Center Utrecht
Classification: Likely benign. Review status: no assertion criteria provided. Collection method: clinical testing. Allele origin: germline. Affected: yes. Study: VKGL Data-share Consensus. Not counted in ClinVar's aggregate classification.

NM_006950.3(SYN1):c.472A>C (p.Asn158His)

Gene: SYN1 (synapsin I; minus strand). Cytogenetic location: Xp11.23.
Variant type: single nucleotide variant.
Coding change: c.472A>C on transcript NM_006950.3 (MANE Select); coding-DNA position 472, A replaced by C.
Protein change: p.Asn158His; replaces asparagine 158 with histidine.
Molecular consequence: missense variant.
Genome position (GRCh38, 1-based): chrX:47,607,000, T>G on the plus strand (A>C on the coding strand, the complement: SYN1 is on the minus strand). VCF-style: chrX-47607000-T-G. GRCh37 (hg19) VCF-style: chrX-47466399-T-G.
Other names: c.472A>C, p.Asn158His (NM_133499.2); short protein forms N158H.
Identifiers: ClinVar variation 1285001 (VCV001285001.7), dbSNP rs759485248, ClinGen allele CA329056508.